The following is an entry in ClinVar:

NM_003280.3(TNNC1):c.293C>G (p.Ser98Cys)

Gene: TNNC1 (troponin C1, slow skeletal and cardiac type; minus strand). Cytogenetic location: 3p21.1.
Variant type: single nucleotide variant.
Coding change: c.293C>G on transcript NM_003280.3 (MANE Select); coding-DNA position 293, C replaced by G.
Protein change: p.Ser98Cys; replaces serine 98 with cysteine.
Molecular consequence: missense variant.
Genome position (GRCh38, 1-based): chr3:52,451,768, G>C on the plus strand (C>G on the coding strand, the complement: TNNC1 is on the minus strand). VCF-style: chr3-52451768-G-C. GRCh37 (hg19) VCF-style: chr3-52485784-G-C.
Other names: short protein forms S98C.
Identifiers: ClinVar variation 3327643 (VCV003327643.1).

ClinVar aggregate classification (germline): Uncertain significance (1 of 4 stars; one submission).

Conditions:
Cardiovascular phenotype. Identifiers: MedGen CN230736.

Submission:

Ambry Genetics
Classification: Uncertain significance for Cardiovascular phenotype. Last evaluated: 2024-03-15. Review status: criteria provided, single submitter. Criteria: Ambry Variant Classification Scheme 2023. Collection method: clinical testing. Allele origin: germline.
Comment: The p.S98C variant (also known as c.293C>G), located in coding exon 4 of the TNNC1 gene, results from a C to G substitution at nucleotide position 293. The serine at codon 98 is replaced by cysteine, an amino acid with dissimilar properties. This amino acid position is conserved. In addition, the in silico prediction for this alteration is inconclusive. Based on the available evidence, the clinical significance of this alteration remains unclear.